The following is an entry in ClinVar:

NM_000256.3(MYBPC3):c.2465A>T (p.Asn822Ile)

Gene: MYBPC3 (myosin binding protein C3; minus strand). Cytogenetic location: 11p11.2.
Variant type: single nucleotide variant.
Coding change: c.2465A>T on transcript NM_000256.3 (MANE Select); coding-DNA position 2465, A replaced by T.
Protein change: p.Asn822Ile; replaces asparagine 822 with isoleucine.
Molecular consequence: missense variant.
Genome position (GRCh38, 1-based): chr11:47,337,528, T>A on the plus strand (A>T on the coding strand, the complement: MYBPC3 is on the minus strand). VCF-style: chr11-47337528-T-A. GRCh37 (hg19) VCF-style: chr11-47359079-T-A.
Other names: short protein forms N822I.
Identifiers: ClinVar variation 1405441 (VCV001405441.10), dbSNP rs1471202212, ClinGen allele CA380318330.

ClinVar aggregate classification (germline): Uncertain significance. Review status: criteria provided, multiple submitters, no conflicts (2 of 4 stars). 4 submissions from 4 submitters: Uncertain significance (4). Last evaluated 2024-11-27.

Conditions:
Cardiovascular phenotype. Identifiers: MedGen CN230736.
Cardiomyopathy (CMYO). Also called: Cardiomyopathies. Identifiers: Orphanet 167848, MedGen C0878544, MONDO:0004994, HP:0001638. Inheritance: Various modes of inheritance.
Hypertrophic cardiomyopathy. Also called: HYPERTROPHIC MYOCARDIOPATHY. Identifiers: Orphanet 217569, MedGen C0007194, MeSH D002312, MONDO:0005045, HP:0001639.

Allele frequency attached by ClinVar (database versions not stated): gnomAD 0.00001; TOPMed below 0.00001.
gnomAD v4.1: 1 of 1,613,874 alleles (0.000062%); highest among the groups gnomAD compares: Non-Finnish European, 0.000085%; no homozygotes.

Submissions (4):

Ambry Genetics
Classification: Uncertain significance for Cardiovascular phenotype. Last evaluated: 2024-11-27. Review status: criteria provided, single submitter. Criteria: Ambry Variant Classification Scheme 2023. Collection method: clinical testing. Allele origin: germline.
Comment: The p.N822I variant (also known as c.2465A>T), located in coding exon 25 of the MYBPC3 gene, results from an A to T substitution at nucleotide position 2465. The asparagine at codon 822 is replaced by isoleucine, an amino acid with dissimilar properties. This amino acid position is highly conserved in available vertebrate species. In addition, the in silico prediction for this alteration is inconclusive. Based on the available evidence, the clinical significance of this variant remains unclear.

All of Us Research Program, National Institutes of Health
Classification: Uncertain significance for Hypertrophic cardiomyopathy. Last evaluated: 2024-06-09. Review status: criteria provided, single submitter. Criteria: ACMG Guidelines, 2015. Collection method: clinical testing. Allele origin: germline. Inheritance: Autosomal dominant inheritance. Observed: 1 variant allele, 1 heterozygote.
Comment: This missense variant replaces asparagine with isoleucine at codon 822 of the MYBPC3 protein. Computational prediction tools indicate that this variant has a deleterious impact on protein structure and function. To our knowledge, functional studies have not been reported for this variant. This variant has not been reported in individuals affected with MYBPC3-related disorders in the literature. This variant has not been identified in the general population by the Genome Aggregation Database (gnomAD). The available evidence is insufficient to determine the role of this variant in disease conclusively. Therefore, this variant is classified as a Variant of Uncertain Significance.

This study involves interpretation of variants in research participants for the purpose of population health screening. Participant phenotype was not available at the time of variant classification. Additional details can be found in publication PMID: 35346344, PMCID: PMC8962531

Color Diagnostics, LLC DBA Color Health
Classification: Uncertain significance for Cardiomyopathy. Last evaluated: 2024-05-28. Review status: criteria provided, single submitter. Criteria: ACMG Guidelines, 2015. Collection method: clinical testing. Allele origin: germline.
Comment: This missense variant replaces asparagine with isoleucine at codon 822 of the MYBPC3 protein. Computational prediction tools indicate that this variant has a deleterious impact on protein structure and function. To our knowledge, functional studies have not been reported for this variant. This variant has not been reported in individuals affected with MYBPC3-related disorders in the literature. This variant has not been identified in the general population by the Genome Aggregation Database (gnomAD). The available evidence is insufficient to determine the role of this variant in disease conclusively. Therefore, this variant is classified as a Variant of Uncertain Significance.

Labcorp Genetics (formerly Invitae), Labcorp
Classification: Uncertain significance for Hypertrophic cardiomyopathy. Last evaluated: 2024-05-06. Review status: criteria provided, single submitter. Criteria: Invitae Variant Classification Sherloc (09022015). Collection method: clinical testing. Allele origin: germline.
Comment: This sequence change replaces asparagine, which is neutral and polar, with isoleucine, which is neutral and non-polar, at codon 822 of the MYBPC3 protein (p.Asn822Ile). This variant is not present in population databases (gnomAD no frequency). This variant has not been reported in the literature in individuals affected with MYBPC3-related conditions. ClinVar contains an entry for this variant (Variation ID: 1405441). An algorithm developed to predict the effect of missense changes on protein structure and function (PolyPhen-2) suggests that this variant is likely to be disruptive. In summary, the available evidence is currently insufficient to determine the role of this variant in disease. Therefore, it has been classified as a Variant of Uncertain Significance.